The following is an entry in ClinVar:

NM_020884.7(MYH7B):c.1975A>C (p.Lys659Gln)

Gene: MYH7B (myosin heavy chain 7B; plus strand). Cytogenetic location: 20q11.22.
Variant type: single nucleotide variant.
Coding change: c.1975A>C on transcript NM_020884.7 (MANE Select); coding-DNA position 1975, A replaced by C.
Protein change: p.Lys659Gln; replaces lysine 659 with glutamine.
Molecular consequence: missense variant.
Genome position (GRCh38, 1-based): chr20:34,990,308, A>C. VCF-style: chr20-34990308-A-C. GRCh37 (hg19) VCF-style: chr20-33578111-A-C.
Other names: short protein forms K659Q.
Identifiers: ClinVar variation 4699042 (VCV004699042.1).

ClinVar aggregate classification (germline): Uncertain significance (1 of 4 stars; one submission).

gnomAD v4.1: 6 of 1,614,154 alleles (0.00037%); highest among the groups gnomAD compares: Non-Finnish European, 0.00042%; no homozygotes.

Submission:

Labcorp Genetics (formerly Invitae), Labcorp
Classification: Uncertain significance. Last evaluated: 2025-04-12. Review status: criteria provided, single submitter. Criteria: Invitae Variant Classification Sherloc (09022015). Collection method: clinical testing. Allele origin: germline.
Comment: This sequence change replaces lysine, which is basic and polar, with glutamine, which is neutral and polar, at codon 701 of the MYH7B protein (p.Lys701Gln). This variant is present in population databases (no rsID available, gnomAD no frequency). This variant has not been reported in the literature in individuals affected with MYH7B-related conditions. An algorithm developed to predict the effect of missense changes on protein structure and function (PolyPhen-2) suggests that this variant is likely to be disruptive. In summary, the available evidence is currently insufficient to determine the role of this variant in disease. Therefore, it has been classified as a Variant of Uncertain Significance.